The following is an entry in ClinVar:

NM_000152.5(GAA):c.1374C>T (p.Tyr458=)

Gene: GAA (alpha glucosidase; plus strand). Cytogenetic location: 17q25.3.
Variant type: single nucleotide variant.
Coding change: c.1374C>T on transcript NM_000152.5 (MANE Select); coding-DNA position 1374, C replaced by T.
Protein change: p.Tyr458=; no amino-acid change (tyrosine 458 retained).
Molecular consequence: synonymous variant.
Genome position (GRCh38, 1-based): chr17:80,109,992, C>T. VCF-style: chr17-80109992-C-T. GRCh37 (hg19) VCF-style: chr17-78083791-C-T.
Other names: c.1374C>T, p.(=) (LRG_673t1); c.1374C>T, p.Tyr458= (NM_001079803.3, NM_001079804.3).
Identifiers: ClinVar variation 92463 (VCV000092463.38), dbSNP rs1800305, ClinGen allele CA145753.

ClinVar aggregate classification (germline): Benign. Review status: criteria provided, multiple submitters, no conflicts (2 of 4 stars). 17 submissions from 17 submitters: Benign (12). 5 of the submissions do not count toward it. Last evaluated 2026-07-01.

Conditions:
Glycogen storage disease, type II (IOPD). Also called: POMPE DISEASE, INFANTILE-ONSET; GLYCOGEN STORAGE DISEASE II, INFANTILE-ONSET; ACID ALPHA-GLUCOSIDASE DEFICIENCY, INFANTILE-ONSET; GAA DEFICIENCY, INFANTILE-ONSET; ACID MALTASE DEFICIENCY, INFANTILE-ONSET; Glucosidase acid-1,4-alpha deficiency. Identifiers: Orphanet 365, MedGen C0017921, MONDO:0009290, OMIM 232300.
Cardiovascular phenotype. Identifiers: MedGen CN230736.

Allele frequency attached by ClinVar (database versions not stated): gnomAD exomes 0.06562 and 0.06928; ExAC 0.07297; gnomAD 0.09759 and 0.10079; 1000 Genomes Project 0.09824; 1000 Genomes Project 30x 0.09978; TOPMed 0.10029; ESP Exome Variant Server 0.10949.

Submissions (17):

Genomenon, Inc
Classification: Benign for Glycogen storage disease, type II. Last evaluated: 2026-07-01. Review status: criteria provided, single submitter. Criteria: Genomenon Sequence Variant Interpretation Standards - Updated. Collection method: curation. Allele origin: germline. Affected: no.
Comment: GAA c.1374C>T is a synonymous variant that retains Tyrosine at codon 458. This variant is present at high allele frequency in population databases. We classify GAA c.1374C>T (p.Tyr458=) as a benign variant.

Labcorp Genetics (formerly Invitae), Labcorp
Classification: Benign for Glycogen storage disease, type II. Last evaluated: 2026-02-04. Review status: criteria provided, single submitter. Criteria: Invitae Variant Classification Sherloc (09022015). Collection method: clinical testing. Allele origin: germline.

Blueprint Genetics
Classification: Benign. Last evaluated: 2024-11-28. Review status: criteria provided, single submitter. Criteria: ACMG Guidelines, 2015. Collection method: clinical testing. Allele origin: germline.

Genome-Nilou Lab
Classification: Benign for Glycogen storage disease, type II. Last evaluated: 2021-06-10. Review status: criteria provided, single submitter. Criteria: ACMG Guidelines, 2015. Collection method: clinical testing. Allele origin: germline. Affected: no.

Ambry Genetics
Classification: Benign for Cardiovascular phenotype. Last evaluated: 2019-03-01. Review status: criteria provided, single submitter. Criteria: Ambry Variant Classification Scheme 2023. Collection method: clinical testing. Allele origin: germline.

Illumina Laboratory Services, Illumina
Classification: Benign for Glycogen storage disease, type II. Last evaluated: 2018-01-12. Review status: criteria provided, single submitter. Criteria: ICSL Variant Classification Criteria 13 December 2019. Collection method: clinical testing. Allele origin: germline.
Comment: This variant was observed in the ICSL laboratory as part of a predisposition screen in an ostensibly healthy population. It had not been previously curated by ICSL or reported in the Human Gene Mutation Database (HGMD: prior to June 1st, 2018), and was therefore a candidate for classification through an automated scoring system. Utilizing variant allele frequency, disease prevalence and penetrance estimates, and inheritance mode, an automated score was calculated to assess if this variant is too frequent to cause the disease. Based on the score and internal cut-off values, a variant classified as benign is not then subjected to further curation. The score for this variant resulted in a classification of benign for this disease.

Phosphorus, Inc.
Classification: Benign for Glycogen storage disease, type II. Last evaluated: 2017-08-01. Review status: criteria provided, single submitter. Criteria: ACMG Guidelines, 2015. Collection method: clinical testing. Allele origin: germline. Observed: 2 variant alleles.

GeneDx
Classification: Benign. Last evaluated: 2015-03-03. Review status: criteria provided, single submitter. Criteria: GeneDx Variant Classification Process June 2021. Collection method: clinical testing. Allele origin: germline. Affected: yes.

Eurofins Ntd Llc (ga)
Classification: Benign. Last evaluated: 2014-06-04. Review status: criteria provided, single submitter. Criteria: EGL Classification Definitions 2015. Collection method: clinical testing. Allele origin: germline. Observed: 22 variant alleles, 20 heterozygotes, 2 homozygotes.

Genetic Services Laboratory, University of Chicago
Classification: Benign for AllHighlyPenetrant. Last evaluated: 2013-08-15. Review status: criteria provided, single submitter. Criteria: ACMG Guidelines, 2007. Collection method: clinical testing. Allele origin: germline. Inheritance: Autosomal recessive inheritance.

Breakthrough Genomics
Classification: Benign. Review status: criteria provided, single submitter. Criteria: ACMG Guidelines, 2015. Collection method: not provided. Allele origin: germline. Inheritance: Autosomal recessive inheritance. Affected: yes.

PreventionGenetics, part of Exact Sciences
Classification: Benign. Review status: criteria provided, single submitter. Criteria: ACMG Guidelines, 2015. Collection method: clinical testing. Allele origin: germline.

Natera, Inc.
Classification: Benign for Glycogen storage disease type II. Last evaluated: 2019-11-21. Review status: no assertion criteria provided. Collection method: clinical testing. Allele origin: germline. Not counted in ClinVar's aggregate classification.

Mayo Clinic Laboratories, Mayo Clinic
Classification: Benign. Last evaluated: 2017-02-27. Review status: no assertion criteria provided. Collection method: clinical testing. Allele origin: unknown. Not counted in ClinVar's aggregate classification.

Clinical Genetics DNA and cytogenetics Diagnostics Lab, Erasmus MC, Erasmus Medical Center
Classification: Benign. Review status: no assertion criteria provided. Collection method: clinical testing. Allele origin: germline. Affected: yes. Study: VKGL Data-share Consensus. Not counted in ClinVar's aggregate classification.

Genome Diagnostics Laboratory, University Medical Center Utrecht
Classification: Benign. Review status: no assertion criteria provided. Collection method: clinical testing. Allele origin: germline. Affected: yes. Study: VKGL Data-share Consensus. Not counted in ClinVar's aggregate classification.

Joint Genome Diagnostic Labs from Nijmegen and Maastricht, Radboudumc and MUMC+
Classification: Benign. Review status: no assertion criteria provided. Collection method: clinical testing. Allele origin: germline. Affected: yes. Study: VKGL Data-share Consensus. Not counted in ClinVar's aggregate classification.

Literature cited by the submitters: PubMed 18414213 (cited by Phosphorus, Inc.); PubMed 23757202 (cited by Phosphorus, Inc.).